The following is an entry in ClinVar:

ClinVar aggregate classification (germline): Uncertain significance. Review status: criteria provided, multiple submitters, no conflicts (2 of 4 stars). 4 submissions from 4 submitters: Uncertain significance (4). Last evaluated 2024-07-06.

Conditions:
Dilated cardiomyopathy 1JJ (CMD1JJ). Identifiers: Orphanet 154, MedGen C3808935, MONDO:0014095, OMIM 615235.
Cardiovascular phenotype. Identifiers: MedGen CN230736.

Allele frequency attached by ClinVar (database versions not stated): ExAC 0.00002; gnomAD exomes 0.00002; TOPMed 0.00002; gnomAD 0.00005; ESP Exome Variant Server 0.00015.
gnomAD v4.1: 34 of 1,614,016 alleles (0.0021%); highest among the groups gnomAD compares: African/African-American, 0.011%; no homozygotes.

Submissions (4):

Ambry Genetics
Classification: Uncertain significance for Cardiovascular phenotype. Last evaluated: 2024-07-06. Review status: criteria provided, single submitter. Criteria: Ambry Variant Classification Scheme 2023. Collection method: clinical testing. Allele origin: germline.
Comment: The p.M606V variant (also known as c.1816A>G), located in coding exon 14 of the LAMA4 gene, results from an A to G substitution at nucleotide position 1816. The methionine at codon 606 is replaced by valine, an amino acid with highly similar properties. This amino acid position is not well conserved in available vertebrate species. In addition, this alteration is predicted to be tolerated by in silico analysis. Since supporting evidence is limited at this time, the clinical significance of this alteration remains unclear.

GeneDx
Classification: Uncertain significance. Last evaluated: 2022-12-14. Review status: criteria provided, single submitter. Criteria: GeneDx Variant Classification Process June 2021. Collection method: clinical testing. Allele origin: germline. Affected: yes.
Comment: Has not been previously published as pathogenic or benign to our knowledge; In silico analysis supports that this missense variant does not alter protein structure/function

Labcorp Genetics (formerly Invitae), Labcorp
Classification: Uncertain significance for Dilated cardiomyopathy 1JJ. Last evaluated: 2022-07-06. Review status: criteria provided, single submitter. Criteria: Invitae Variant Classification Sherloc (09022015). Collection method: clinical testing. Allele origin: germline.
Comment: In summary, the available evidence is currently insufficient to determine the role of this variant in disease. Therefore, it has been classified as a Variant of Uncertain Significance. Algorithms developed to predict the effect of missense changes on protein structure and function output the following: SIFT: "Tolerated"; PolyPhen-2: "Benign"; Align-GVGD: "Class C0". The valine amino acid residue is found in multiple mammalian species, which suggests that this missense change does not adversely affect protein function. ClinVar contains an entry for this variant (Variation ID: 1421503). This variant has not been reported in the literature in individuals affected with LAMA4-related conditions. This variant is present in population databases (rs371083384, gnomAD 0.02%). This sequence change replaces methionine, which is neutral and non-polar, with valine, which is neutral and non-polar, at codon 606 of the LAMA4 protein (p.Met606Val).

Fulgent Genetics
Classification: Uncertain significance for Dilated cardiomyopathy 1JJ. Last evaluated: 2021-08-18. Review status: criteria provided, single submitter. Criteria: ACMG Guidelines, 2015. Collection method: clinical testing. Allele origin: unknown.

NM_001105206.3(LAMA4):c.1837A>G (p.Met613Val)

Gene: LAMA4 (laminin subunit alpha 4; minus strand). Cytogenetic location: 6q21.
Variant type: single nucleotide variant.
Coding change: c.1837A>G on transcript NM_001105206.3 (MANE Select); coding-DNA position 1837, A replaced by G.
Protein change: p.Met613Val; replaces methionine 613 with valine.
Molecular consequence: missense variant.
Genome position (GRCh38, 1-based): chr6:112,155,687, T>C on the plus strand (A>G on the coding strand, the complement: LAMA4 is on the minus strand). VCF-style: chr6-112155687-T-C. GRCh37 (hg19) VCF-style: chr6-112476889-T-C.
Other names: c.1816A>G, p.Met606Val (NM_001105207.3, NM_002290.5); short protein forms M613V, M606V.
Identifiers: ClinVar variation 1421503 (VCV001421503.12), dbSNP rs371083384, ClinGen allele CA3965652.
Genomic context (GRCh38, chr6:112,155,687, plus strand): 5'-AATTAACAATATTTTCATAGACATTTGATGCATCCAAAGCCTTCTGTACCAGCCCGTTCA[T>C]ATCTGAACTGTGCAACTTCCTGTTAATAAACAAACATTGTTATTTCTCCTTCTTACCTTC-3'
Protein context (NP_001098676.2, residues 603-623): ELSRKLHSSD[Met613Val]NGLVQKALDA